The following is an entry in ClinVar:

ClinVar aggregate classification (germline): Uncertain significance (1 of 4 stars; one submission).

Submission:

Athena Diagnostics
Classification: Uncertain significance. Last evaluated: 2024-11-18. Review status: criteria provided, single submitter. Criteria: Athena Diagnostics Criteria. Collection method: clinical testing. Allele origin: unknown.
Comment: Available data are insufficient to determine the clinical significance of the variant at this time. This variant has not been reported in large, multi-ethnic general populations. Polyphen and MutationTaster yielded discordant predictions regarding whether this amino acid change is damaging to the protein.

NM_014363.6(SACS):c.12244G>A (p.Ala4082Thr)

Gene: SACS (sacsin molecular chaperone; minus strand). Cytogenetic location: 13q12.12.
Variant type: single nucleotide variant.
Coding change: c.12244G>A on transcript NM_014363.6 (MANE Select); coding-DNA position 12244, G replaced by A.
Protein change: p.Ala4082Thr; replaces alanine 4082 with threonine.
Molecular consequence: missense variant.
Genome position (GRCh38, 1-based): chr13:23,331,632, C>T on the plus strand (G>A on the coding strand, the complement: SACS is on the minus strand). VCF-style: chr13-23331632-C-T. GRCh37 (hg19) VCF-style: chr13-23905771-C-T.
Other names: c.11803G>A, p.Ala3935Thr (NM_001278055.2); short protein forms A3935T, A4082T.
Identifiers: ClinVar variation 3571617 (VCV003571617.1).